The following is an entry in ClinVar:

NM_144701.3(IL23R):c.1075G>T (p.Gly359Ter)

Gene: IL23R (interleukin 23 receptor; plus strand). Cytogenetic location: 1p31.3.
Variant type: single nucleotide variant.
Coding change: c.1075G>T on transcript NM_144701.3 (MANE Select); coding-DNA position 1075, G replaced by T.
Protein change: p.Gly359Ter; replaces glycine 359 with a stop codon.
Molecular consequence: nonsense.
Genome position (GRCh38, 1-based): chr1:67,240,208, G>T. VCF-style: chr1-67240208-G-T. GRCh37 (hg19) VCF-style: chr1-67705891-G-T.
Other names: short protein forms G359*.
Identifiers: ClinVar variation 4717668 (VCV004717668.1).

ClinVar aggregate classification (germline): Uncertain significance (1 of 4 stars; one submission).

Submission:

Labcorp Genetics (formerly Invitae), Labcorp
Classification: Uncertain significance. Last evaluated: 2025-04-17. Review status: criteria provided, single submitter. Criteria: Invitae Variant Classification Sherloc (09022015). Collection method: clinical testing. Allele origin: germline.
Comment: This sequence change creates a premature translational stop signal (p.Gly359*) in the IL23R gene. It is expected to result in an absent or disrupted protein product. However, the current clinical and genetic evidence is not sufficient to establish whether loss-of-function variants in IL23R cause disease. This variant is not present in population databases (gnomAD no frequency). This variant has not been reported in the literature in individuals affected with IL23R-related conditions. In summary, the available evidence is currently insufficient to determine the role of this variant in disease. Therefore, it has been classified as a Variant of Uncertain Significance.